The following is an entry in ClinVar:

ClinVar aggregate classification (germline): Likely benign. Review status: criteria provided, multiple submitters, no conflicts (2 of 4 stars). 7 submissions from 3 submitters: Likely benign (7). Last evaluated 2023-04-11.

Conditions:
Hereditary cryohydrocytosis with reduced stomatin. Also called: Stomatin-deficient cryohydrocytosis with neurologic defects; GLUT1 DEFICIENCY SYNDROME WITH PSEUDOHYPERKALEMIA AND HEMOLYSIS. Identifiers: Orphanet 168577, MedGen C1837206, MONDO:0012143, OMIM 608885.
Childhood onset GLUT1 deficiency syndrome 2. Also called: PxMD-SLC2A1; PAROXYSMAL EXERCISE-INDUCED DYSKINESIA WITH OR WITHOUT EPILEPSY AND/OR HEMOLYTIC ANEMIA; PAROXYSMAL EXERTION-INDUCED DYSTONIA WITH OR WITHOUT EPILEPSY AND/OR HEMOLYTIC ANEMIA; PED WITH OR WITHOUT EPILEPSY AND/OR HEMOLYTIC ANEMIA; Exertion-induced paroxysmal dyskinesia; Paroxysmal exercise-induced dystonia. Identifiers: Orphanet 98811, MedGen C1842534, MONDO:0012805, OMIM 612126.
Dystonia 9 (DYT9). Also called: CHOREOATHETOSIS, KINESIGENIC, WITH EPISODIC ATAXIA AND SPASTICITY. Identifiers: Orphanet 53583, MedGen C1832855, MONDO:0010983, OMIM 601042.
Epilepsy, idiopathic generalized, susceptibility to, 12 (EIG12). Identifiers: MedGen C3553859, MONDO:0013919, OMIM 614847.
GLUT1 deficiency syndrome 1, autosomal recessive. Identifiers: MedGen C3149117.
Encephalopathy due to GLUT1 deficiency. Also called: GLUT1 deficiency syndrome 1, infantile onset, severe; GLUT1 deficiency syndrome 1; De Vivo disease; Classic Glucose Transporter Type 1 Deficiency Syndrome; GLUCOSE TRANSPORT DEFECT, BLOOD-BRAIN BARRIER; Glucose transporter protein syndrome. Identifiers: Orphanet 71277, MedGen C4551966, MONDO:0011724, OMIM 606777.

Allele frequency attached by ClinVar (database versions not stated): gnomAD exomes below 0.00001.
gnomAD v4.1: 1 of 1,610,876 alleles (0.000062%); highest among the groups gnomAD compares: African/African-American, 0.0013%; no homozygotes.

Submissions (7):

Genome-Nilou Lab
Classification: Likely benign for Epilepsy, idiopathic generalized, susceptibility to, 12. Last evaluated: 2023-04-11. Review status: criteria provided, single submitter. Criteria: ACMG Guidelines, 2015. Collection method: clinical testing. Allele origin: germline. Affected: no.

Genome-Nilou Lab
Classification: Likely benign for Dystonia 9. Last evaluated: 2023-04-11. Review status: criteria provided, single submitter. Criteria: ACMG Guidelines, 2015. Collection method: clinical testing. Allele origin: germline. Affected: no.

Genome-Nilou Lab
Classification: Likely benign for Encephalopathy due to GLUT1 deficiency. Last evaluated: 2023-04-11. Review status: criteria provided, single submitter. Criteria: ACMG Guidelines, 2015. Collection method: clinical testing. Allele origin: germline. Affected: no.

Genome-Nilou Lab
Classification: Likely benign for Childhood onset GLUT1 deficiency syndrome 2. Last evaluated: 2023-04-11. Review status: criteria provided, single submitter. Criteria: ACMG Guidelines, 2015. Collection method: clinical testing. Allele origin: germline. Affected: no.

Genome-Nilou Lab
Classification: Likely benign for Hereditary cryohydrocytosis with reduced stomatin. Last evaluated: 2023-04-11. Review status: criteria provided, single submitter. Criteria: ACMG Guidelines, 2015. Collection method: clinical testing. Allele origin: germline. Affected: no.

Labcorp Genetics (formerly Invitae), Labcorp
Classification: Likely benign for GLUT1 deficiency syndrome 1, autosomal recessive. Last evaluated: 2022-11-01. Review status: criteria provided, single submitter. Criteria: Invitae Variant Classification Sherloc (09022015). Collection method: clinical testing. Allele origin: germline.

GeneDx
Classification: Likely benign. Last evaluated: 2017-09-28. Review status: criteria provided, single submitter. Criteria: GeneDx Variant Classification (06012015). Collection method: clinical testing. Allele origin: germline. Affected: yes.
Comment: This variant is considered likely benign or benign based on one or more of the following criteria: it is a conservative change, it occurs at a poorly conserved position in the protein, it is predicted to be benign by multiple in silico algorithms, and/or has population frequency not consistent with disease.

NM_006516.4(SLC2A1):c.972+7C>G

Gene: SLC2A1 (solute carrier family 2 member 1; minus strand). Cytogenetic location: 1p34.2.
Variant type: single nucleotide variant.
Coding change: c.972+7C>G on transcript NM_006516.4 (MANE Select); 7 bases into the intron after coding-DNA position 972, C replaced by G.
Molecular consequence: intron variant.
Genome position (GRCh38, 1-based): chr1:42,929,203, G>C on the plus strand (C>G on the coding strand, the complement: SLC2A1 is on the minus strand). VCF-style: chr1-42929203-G-C. GRCh37 (hg19) VCF-style: chr1-43394874-G-C.
Identifiers: ClinVar variation 512361 (VCV000512361.10), dbSNP rs1553155998, ClinGen allele CA658795440.